The following is an entry in ClinVar:

NM_000275.3(OCA2):c.2244+1G>C

Gene: OCA2 (OCA2 melanosomal transmembrane protein; minus strand). Cytogenetic location: 15q13.1.
Variant type: single nucleotide variant.
Coding change: c.2244+1G>C on transcript NM_000275.3 (MANE Select); the canonical splice donor site of the intron after coding-DNA position 2244, G replaced by C.
Molecular consequence: splice donor variant.
Genome position (GRCh38, 1-based): chr15:27,871,153, C>G on the plus strand (G>C on the coding strand, the complement: OCA2 is on the minus strand). VCF-style: chr15-27871153-C-G. GRCh37 (hg19) VCF-style: chr15-28116299-C-G.
Other names: c.2172+1G>C (NM_001300984.2).
Identifiers: ClinVar variation 3340499 (VCV003340499.1).
Genomic context (GRCh38, chr15:27,871,153, plus strand): 5'-GTGAGCCCCAGGCTATGTCCAGGCTAAAGTTGAGCCGTCGACATGGACATGTGCAACTCA[C>G]CATGGTAGCAGTGAACGGGATGTTGTCAATCAGGGACGACGCCAGGGCTGAGACCCACAC-3'

ClinVar aggregate classification (germline): Likely pathogenic (1 of 4 stars; one submission).

Conditions:
Tyrosinase-positive oculocutaneous albinism (OCA2). Also called: ALBINISM II; Albinism, oculocutaneous, type II; Oculocutaneous albinism type 2. Identifiers: Orphanet 79432, MedGen C0268495, MONDO:0008746, OMIM 203200.

Submission:

Diagnostics Services (NGS), CSIR - Centre For Cellular And Molecular Biology
Classification: Likely pathogenic for Tyrosinase-positive oculocutaneous albinism. Last evaluated: 2024-08-14. Review status: criteria provided, single submitter. Criteria: ACMG Guidelines, 2015. Collection method: clinical testing. Allele origin: unknown. Affected: yes. Observed: 1 variant allele, 1 heterozygote.
Comment: The c.2244+1G>C variant is not present in publicly available population databases like 1000 Genomes, EVS, ExAC, gnomAD, Indian Exome Database or our in-house exome database. This variant has neither been published in literature with OCA2 related conditions nor reported to the clinical databases like ClinVar, Human Genome Mutation Database (HGMD) or OMIM, in any affected individuals. Algorithms developed to predict the effect of sequence changes on RNA splicing suggest that this variant can disrupt the consensus splice site. In-silico pathogenicity prediction programs like HSF3.1, MutationTaster2021, CADD, Franklin, Varsome etc predicted this variant to be likely deleterious, however these predictions were not confirmed by published translational studies.